The following is an entry in ClinVar:

NM_021830.5(TWNK):c.1627C>T (p.Arg543Trp)

Gene: TWNK (twinkle mtDNA helicase; plus strand). Cytogenetic location: 10q24.31.
Variant type: single nucleotide variant.
Coding change: c.1627C>T on transcript NM_021830.5 (MANE Select); coding-DNA position 1627, C replaced by T.
Protein change: p.Arg543Trp; replaces arginine 543 with tryptophan.
Molecular consequence: missense variant. On other transcripts: non-coding transcript variant (5).
Genome position (GRCh38, 1-based): chr10:100,990,903, C>T. VCF-style: chr10-100990903-C-T. GRCh37 (hg19) VCF-style: chr10-102750660-C-T.
Other names: c.1627C>T, p.Arg543Trp (NM_001163812.2); c.265C>T, p.Arg89Trp (NM_001163813.2, NM_001163814.2, NM_001368275.1); short protein forms R543W, R89W.
Identifiers: ClinVar variation 1304473 (VCV001304473.6), dbSNP rs779788390, ClinGen allele CA5653302.
Genomic context (GRCh38, chr10:100,990,903, plus strand): 5'-CTCTTTGTGTTGTTGGGATGGCGTAGGATCGCAGCTCAAGACTACATCATCGGGGTCTTT[C>T]GGAAGTTTGCAACAGACAATAACTGCCATGTGACACTGGTCATTCACCCCCGGAAAGAGG-3'
Protein context (NP_068602.2, residues 533-553): AAQDYIIGVF[Arg543Trp]KFATDNNCHV

ClinVar aggregate classification (germline): Uncertain significance. Review status: criteria provided, multiple submitters, no conflicts (2 of 4 stars). 2 submissions from 2 submitters: Uncertain significance (2). Last evaluated 2025-07-03.

Allele frequency attached by ClinVar (database versions not stated): ExAC 0.00002; gnomAD exomes 0.00001.
gnomAD v4.1: 10 of 1,614,220 alleles (0.00062%); highest among the groups gnomAD compares: Admixed American, 0.0033%; no homozygotes.

Submissions (2):

Labcorp Genetics (formerly Invitae), Labcorp
Classification: Uncertain significance. Last evaluated: 2025-07-03. Review status: criteria provided, single submitter. Criteria: Invitae Variant Classification Sherloc (09022015). Collection method: clinical testing. Allele origin: germline.
Comment: This sequence change replaces arginine, which is basic and polar, with tryptophan, which is neutral and slightly polar, at codon 543 of the TWNK protein (p.Arg543Trp). This variant is present in population databases (rs779788390, gnomAD 0.006%). This variant has not been reported in the literature in individuals affected with TWNK-related conditions. ClinVar contains an entry for this variant (Variation ID: 1304473). Invitae Evidence Modeling of protein sequence and biophysical properties (such as structural, functional, and spatial information, amino acid conservation, physicochemical variation, residue mobility, and thermodynamic stability) indicates that this missense variant is expected to disrupt TWNK protein function with a positive predictive value of 95%. In summary, the available evidence is currently insufficient to determine the role of this variant in disease. Therefore, it has been classified as a Variant of Uncertain Significance.

GeneDx
Classification: Uncertain significance. Last evaluated: 2020-04-02. Review status: criteria provided, single submitter. Criteria: GeneDx Variant Classification Process June 2021. Collection method: clinical testing. Allele origin: germline. Affected: yes.
Comment: In silico analysis supports that this missense variant has a deleterious effect on protein structure/function; Has not been previously published as pathogenic or benign to our knowledge